The following is an entry in ClinVar:

ClinVar aggregate classification (germline): Conflicting classifications of pathogenicity. Review status: criteria provided, conflicting classifications (1 of 4 stars). 3 submissions from 3 submitters: Uncertain significance (2); Likely benign (1). Last evaluated 2025-08-04.

Conditions:
Gamma-aminobutyric acid transaminase deficiency (GABATD). Also called: GABA aminotransaminase deficiency; GABA transaminase deficiency; Gamma aminobutyrate transaminase deficiency; 4 alpha aminobutyrate transaminase deficiency. Identifiers: Orphanet 2066, MedGen C0342708, MONDO:0013166, OMIM 613163.
Inborn genetic diseases. Identifiers: MedGen C0950123, MeSH D030342.

Allele frequency attached by ClinVar (database versions not stated): ExAC 0.00003; TOPMed 0.00003.
gnomAD v4.1: 89 of 1,613,884 alleles (0.0055%); highest among the groups gnomAD compares: Non-Finnish European, 0.0075%; no homozygotes.

Submissions (3):

Labcorp Genetics (formerly Invitae), Labcorp
Classification: Likely benign for Gamma-aminobutyric acid transaminase deficiency. Last evaluated: 2025-08-04. Review status: criteria provided, single submitter. Criteria: Invitae Variant Classification Sherloc (09022015). Collection method: clinical testing. Allele origin: germline.

Ambry Genetics
Classification: Uncertain significance for Inborn genetic diseases. Last evaluated: 2021-07-20. Review status: criteria provided, single submitter. Criteria: Ambry Variant Classification Scheme 2023. Collection method: clinical testing. Allele origin: germline.
Comment: The c.317-5C>G intronic alteration consists of a C to G substitution 5 nucleotides before exon 6 (coding exon 5) of the ABAT gene. Based on insufficient or conflicting evidence, the clinical significance of this alteration remains unclear.

Illumina Laboratory Services, Illumina
Classification: Uncertain significance for Gamma-aminobutyric acid transaminase deficiency. Last evaluated: 2018-01-13. Review status: criteria provided, single submitter. Criteria: ICSL Variant Classification Criteria 13 December 2019. Collection method: clinical testing. Allele origin: germline.

NM_020686.6(ABAT):c.317-5C>G

Gene: ABAT (4-aminobutyrate aminotransferase; plus strand). Cytogenetic location: 16p13.2.
Variant type: single nucleotide variant.
Coding change: c.317-5C>G on transcript NM_020686.6 (MANE Select); 5 bases into the intron before coding-DNA position 317, C replaced by G.
Molecular consequence: intron variant.
Genome position (GRCh38, 1-based): chr16:8,757,752, C>G. VCF-style: chr16-8757752-C-G. GRCh37 (hg19) VCF-style: chr16-8851609-C-G.
Other names: c.317-5C>G (NM_001386602.1, NM_001386609.1, NM_001386605.1 and 10 more transcripts); c.413-5C>G (NM_001386615.1); c.182-5C>G (NM_001386610.1, NM_001386611.1, NM_001386612.1 and 1 more transcripts); c.71-5C>G (NM_001386614.1).
Identifiers: ClinVar variation 321068 (VCV000321068.14), dbSNP rs781499078, ClinGen allele CA7893071.